The following is an entry in ClinVar:

NM_001370259.2(MEN1):c.1167G>T (p.Arg389=)

Gene: MEN1 (menin 1; minus strand). Cytogenetic location: 11q13.1.
Variant type: single nucleotide variant.
Coding change: c.1167G>T on transcript NM_001370259.2 (MANE Select); coding-DNA position 1167, G replaced by T.
Protein change: p.Arg389=; no amino-acid change (arginine 389 retained).
Molecular consequence: synonymous variant. On other transcripts: non-coding transcript variant (4).
Genome position (GRCh38, 1-based): chr11:64,805,653, C>A on the plus strand (G>T on the coding strand, the complement: MEN1 is on the minus strand). VCF-style: chr11-64805653-C-A. GRCh37 (hg19) VCF-style: chr11-64573125-C-A.
Other names: c.1182G>T, p.Arg394= (NM_000244.4, NM_001407145.1, NM_130800.3 and 4 more transcripts); c.1293G>T, p.Arg431= (NM_001370251.2, NM_001407142.1, NM_001407143.1 and 1 more transcripts); c.1167G>T, p.Arg389= (NM_001370260.2, NM_001370261.2, NM_001407146.1 and 3 more transcripts); c.1062G>T, p.Arg354= (NM_001370262.2, NM_001370263.2, NM_001407148.1 and 1 more transcripts); c.1308G>T, p.Arg436= (NM_001407150.1); c.1188G>T, p.Arg396= (NM_001407151.1).
Identifiers: ClinVar variation 3773419 (VCV003773419.1).

ClinVar aggregate classification (germline): Benign (1 of 4 stars; one submission).

Conditions:
Multiple endocrine neoplasia, type 1 (MEN1). Also called: MEN I; WERMER SYNDROME; Endocrine adenomatosis multiple; MEN 1; MEA I. Identifiers: Orphanet 652, MedGen C0025267, MeSH D018761, MONDO:0007540, OMIM 131100.

Submission:

Myriad Genetics, Inc.
Classification: Benign for Multiple endocrine neoplasia, type 1. Last evaluated: 2024-11-04. Review status: criteria provided, single submitter. Criteria: Myriad Autosomal Dominant, Autosomal Recessive and X-Linked Classification Criteria (2023). Collection method: clinical testing. Allele origin: unknown.
Comment: This variant is considered benign. This variant is a silent/synonymous amino acid change and it is not expected to impact splicing.